The following is an entry in ClinVar:

NC_000015.10:g.(?_48415161)_(48468554_?)del

Gene: FBN1 (fibrillin 1; minus strand). Cytogenetic location: 15q21.1.
Variant type: Deletion.
Identifiers: ClinVar variation 457153 (VCV000457153.7).

ClinVar aggregate classification (germline): Pathogenic (1 of 4 stars; one submission).

Conditions:
Marfan syndrome (MFS). Also called: MARFAN SYNDROME, TYPE I; FBN1-Related Marfan Syndrome; Marfan syndrome type 1; Marfan's syndrome; Marfan syndrome, classic. Identifiers: Orphanet 284963, Orphanet 558, MedGen C0024796, MONDO:0007947, OMIM 154700.
Familial thoracic aortic aneurysm and aortic dissection (TAAD). Also called: Thoracic aortic aneurysms and dissections. Identifiers: Orphanet 91387, MedGen C4707243, MONDO:0019625.

Submission:

Labcorp Genetics (formerly Invitae), Labcorp
Classification: Pathogenic for Marfan syndrome; Familial thoracic aortic aneurysm and aortic dissection. Last evaluated: 2017-03-05. Review status: criteria provided, single submitter. Criteria: Invitae Variant Classification Sherloc (09022015). Collection method: clinical testing. Allele origin: germline.
Comment: While this particular variant has not been reported in the literature, truncating variants in FBN1 are known to be pathogenic (PMID: 17657824, 19293843). This variant is an out-of-frame deletion of the genomic region encompassing exons 37-64of the FBN1 gene. This creates a premature translational stop signal and is expected to result in an absent or disrupted protein product. For these reasons, this variant has been classified as Pathogenic.

Literature cited by the submitters: PubMed 17657824; PubMed 19293843.